The following is an entry in ClinVar:

NM_012464.5(TLL1):c.2492A>G (p.His831Arg)

Gene: TLL1 (tolloid like 1; plus strand). Cytogenetic location: 4q32.3.
Variant type: single nucleotide variant.
Coding change: c.2492A>G on transcript NM_012464.5 (MANE Select); coding-DNA position 2492, A replaced by G.
Protein change: p.His831Arg; replaces histidine 831 with arginine.
Molecular consequence: missense variant.
Genome position (GRCh38, 1-based): chr4:166,091,177, A>G. VCF-style: chr4-166091177-A-G. GRCh37 (hg19) VCF-style: chr4-167012329-A-G.
Other names: c.2492A>G (NM_012464.4); short protein forms H831R.
Identifiers: ClinVar variation 4969034 (VCV004969034.2).

ClinVar aggregate classification (germline): Conflicting classifications of pathogenicity. Review status: criteria provided, conflicting classifications (1 of 4 stars). 2 submissions from 2 submitters: Uncertain significance (1); Likely benign (1). Last evaluated 2024-11-07.

Conditions:
TLL1-related disorder. Also called: TLL1-related condition.

gnomAD v4.1: 53 of 1,613,064 alleles (0.0033%); highest among the groups gnomAD compares: Non-Finnish European, 0.0042%; no homozygotes.

Submissions (2):

Blueprint Genetics
Classification: Likely benign. Last evaluated: 2024-11-07. Review status: criteria provided, single submitter. Criteria: ACMG Guidelines, 2015. Collection method: clinical testing. Allele origin: germline.

PreventionGenetics, part of Exact Sciences
Classification: Uncertain significance for TLL1-related condition. Last evaluated: 2024-10-23. Review status: criteria provided, single submitter. Criteria: ACMG Guidelines, 2015. Collection method: clinical testing. Allele origin: germline.
Comment: The TLL1 c.2492A>G variant is predicted to result in the amino acid substitution p.His831Arg. To our knowledge, this variant has not been reported in the literature. This variant is reported in 0.0088% of alleles in individuals of European (Non-Finnish) descent in gnomAD. At this time, the clinical significance of this variant is uncertain due to the absence of conclusive functional and genetic evidence.